The following is an entry in ClinVar:

NM_004168.4(SDHA):c.988T>G (p.Tyr330Asp)

Gene: SDHA (succinate dehydrogenase complex flavoprotein subunit A; plus strand). Cytogenetic location: 5p15.33.
Variant type: single nucleotide variant.
Coding change: c.988T>G on transcript NM_004168.4 (MANE Select); coding-DNA position 988, T replaced by G.
Protein change: p.Tyr330Asp; replaces tyrosine 330 with aspartic acid.
Molecular consequence: missense variant.
Genome position (GRCh38, 1-based): chr5:233,569, T>G. VCF-style: chr5-233569-T-G. GRCh37 (hg19) VCF-style: chr5-233684-T-G.
Other names: c.844T>G, p.Tyr282Asp (NM_001294332.2); c.988T>G, p.Tyr330Asp (NM_001330758.2); short protein forms Y282D, Y330D.
Identifiers: ClinVar variation 1768506 (VCV001768506.2), dbSNP rs2477349566, ClinGen allele CA359012786.

ClinVar aggregate classification (germline): Uncertain significance (1 of 4 stars; one submission).

Conditions:
Hereditary cancer-predisposing syndrome. Also called: Hereditary Cancer Syndrome; Hereditary neoplastic syndrome; Neoplastic Syndromes, Hereditary; Tumor predisposition. Identifiers: Orphanet 140162, MedGen C0027672, MeSH D009386, MONDO:0015356.

Submission:

Ambry Genetics
Classification: Uncertain significance for Hereditary cancer-predisposing syndrome. Last evaluated: 2020-12-09. Review status: criteria provided, single submitter. Criteria: Ambry Variant Classification Scheme 2023. Collection method: clinical testing. Allele origin: germline.
Comment: The p.Y330D variant (also known as c.988T>G), located in coding exon 8 of the SDHA gene, results from a T to G substitution at nucleotide position 988. The tyrosine at codon 330 is replaced by aspartic acid, an amino acid with highly dissimilar properties. This amino acid position is highly conserved in available vertebrate species. In addition, this alteration is predicted to be deleterious by in silico analysis. Since supporting evidence is limited at this time, the clinical significance of this alteration remains unclear.